The following is an entry in ClinVar:

ClinVar aggregate classification (germline): Likely benign (1 of 4 stars; one submission).

gnomAD v4.1: 119 of 1,613,820 alleles (0.0074%); highest among the groups gnomAD compares: Middle Eastern, 0.033%; no homozygotes.

Submission:

CeGaT Center for Human Genetics Tuebingen
Classification: Likely benign. Last evaluated: 2026-08-01. Review status: criteria provided, single submitter. Criteria: CeGaT Center For Human Genetics Tuebingen Variant Classification Criteria Version 2. Collection method: clinical testing. Allele origin: germline. Affected: yes. Observed: 1 variant allele.
Comment: THSD4: BP4, BP7

NM_024817.3(THSD4):c.2121C>T (p.Tyr707=)

Gene: THSD4 (thrombospondin type 1 domain containing 4; plus strand). Cytogenetic location: 15q23.
Variant type: single nucleotide variant.
Coding change: c.2121C>T on transcript NM_024817.3 (MANE Select); coding-DNA position 2121, C replaced by T.
Protein change: p.Tyr707=; no amino-acid change (tyrosine 707 retained).
Molecular consequence: synonymous variant.
Genome position (GRCh38, 1-based): chr15:71,746,922, C>T. VCF-style: chr15-71746922-C-T. GRCh37 (hg19) VCF-style: chr15-72039261-C-T.
Other names: c.1041C>T, p.Tyr347= (NM_001286429.2); c.2121C>T, p.Tyr707= (NM_001394532.1).
Identifiers: ClinVar variation 5038898 (VCV005038898.1).